The following is an entry in ClinVar:

ClinVar aggregate classification (germline): Pathogenic/Likely pathogenic. Review status: criteria provided, multiple submitters, no conflicts (2 of 4 stars). 4 submissions from 4 submitters: Pathogenic (3); Likely pathogenic (1). Last evaluated 2025-08-07.

Conditions:
Familial cancer of breast. Also called: hereditary breast carcinoma; BREAST CANCER, FAMILIAL; Hereditary breast cancer. Identifiers: Orphanet 227535, MedGen C0346153, MONDO:0016419, OMIM 114480. Disease mechanism: loss of function.
Breast-ovarian cancer, familial, susceptibility to, 2 (BROVCA2). Also called: BRCA2 Hereditary Breast and Ovarian Cancer. Identifiers: Orphanet 145, MedGen C2675520, MONDO:0012933, OMIM 612555. Disease mechanism: loss of function.
Hereditary cancer-predisposing syndrome. Also called: Tumor predisposition; Hereditary neoplastic syndrome; Neoplastic Syndromes, Hereditary; Hereditary Cancer Syndrome. Identifiers: Orphanet 140162, MedGen C0027672, MeSH D009386, MONDO:0015356.
Hereditary breast ovarian cancer syndrome. Also called: Breast and ovarian cancer; Hereditary breast and ovarian cancer; Hereditary breast and ovarian cancer syndrome; Hereditary breast and ovarian cancer syndrome (HBOC); Hereditary breast and/or ovarian cancer syndrome; BRCA1- and BRCA2-Associated Hereditary Breast and Ovarian Cancer. Identifiers: Orphanet 145, MedGen C0677776, MeSH D061325, MONDO:0003582. Disease mechanism: loss of function.

Submissions (4):

Ambry Genetics
Classification: Pathogenic for Hereditary cancer-predisposing syndrome. Last evaluated: 2025-08-07. Review status: criteria provided, single submitter. Criteria: Ambry Variant Classification Scheme 2023. Collection method: clinical testing. Allele origin: germline.
Comment: The c.4979delC pathogenic mutation, located in coding exon 10 of the BRCA2 gene, results from a deletion of one nucleotide at nucleotide position 4979, causing a translational frameshift with a predicted alternate stop codon (p.P1660Lfs*10). This variant is considered to be rare based on population cohorts in the Genome Aggregation Database (gnomAD). This alteration is expected to result in loss of function by premature protein truncation or nonsense-mediated mRNA decay. As such, this alteration is interpreted as a disease-causing mutation.

Molecular Pathology, Peter Maccallum Cancer Centre
Classification: Pathogenic for Breast-ovarian cancer, familial, susceptibility to, 2. Last evaluated: 2024-08-23. Review status: criteria provided, single submitter. Criteria: ACMG Guidelines, 2015. Collection method: clinical testing. Allele origin: germline. Inheritance: Autosomal dominant inheritance.

Labcorp Genetics (formerly Invitae), Labcorp
Classification: Pathogenic for Hereditary breast ovarian cancer syndrome. Last evaluated: 2023-06-27. Review status: criteria provided, single submitter. Criteria: Invitae Variant Classification Sherloc (09022015). Collection method: clinical testing. Allele origin: germline.
Comment: This variant has not been reported in the literature in individuals affected with BRCA2-related conditions. For these reasons, this variant has been classified as Pathogenic. This variant is not present in population databases (gnomAD no frequency). This sequence change creates a premature translational stop signal (p.Pro1660Leufs*10) in the BRCA2 gene. It is expected to result in an absent or disrupted protein product. Loss-of-function variants in BRCA2 are known to be pathogenic (PMID: 20104584).

Baylor Genetics
Classification: Likely pathogenic for Familial cancer of breast. Last evaluated: 2023-06-16. Review status: criteria provided, single submitter. Criteria: ACMG Guidelines, 2015. Collection method: clinical testing. Allele origin: unknown.

Literature cited by the submitters: PubMed 20104584 (cited by Labcorp Genetics (formerly Invitae), Labcorp).

NM_000059.4(BRCA2):c.4979del (p.Pro1660fs)

Gene: BRCA2 (BRCA2 DNA repair associated; plus strand). Cytogenetic location: 13q13.1.
Variant type: Deletion.
Coding change: c.4979del on transcript NM_000059.4 (MANE Select); coding-DNA position 4979, one base deleted (C; older notation c.4979delC).
Protein change: p.Pro1660fs; shifts the reading frame from proline 1660.
Molecular consequence: frameshift variant. On other transcripts: non-coding transcript variant (1), intron variant (2).
Genome position (GRCh38, 1-based): chr13:32,339,334, C deleted; the last of 4 consecutive C bases (chr13:32,339,331-32,339,334); deleting any one gives the same sequence. VCF-style (leftmost placement, unchanged base first): chr13-32339330-TC-T. GRCh37 (hg19) VCF-style: chr13-32913467-TC-T.
Other names: c.4979del, p.Pro1660fs (NM_001406719.1, NM_001406720.1); c.1910-5224del (NM_001406721.1); c.425-5224del (NM_001406722.1); short protein forms P1660fs.
Identifiers: ClinVar variation 2680266 (VCV002680266.6), dbSNP rs2548529726, ClinGen allele CA2695199696.
Genomic context (GRCh38, chr13:32,339,330, plus strand): 5'-GTACATGAAAATGTAGAAAAAGAAACAGCAAAAAGTCCTGCAACTTGTTACACAAATCAG[TC>T]CCCTTATTCAGTCATTGAAAATTCAGCCTTAGCTTTTTACACAAGTTGTAGTAGAAAAAC-3'